The following is an entry in ClinVar:

NM_002863.5(PYGL):c.1729C>T (p.Gln577Ter)

Gene: PYGL (glycogen phosphorylase L; minus strand). Cytogenetic location: 14q22.1.
Variant type: single nucleotide variant.
Coding change: c.1729C>T on transcript NM_002863.5 (MANE Select); coding-DNA position 1729, C replaced by T.
Protein change: p.Gln577Ter; replaces glutamine 577 with a stop codon.
Molecular consequence: nonsense.
Genome position (GRCh38, 1-based): chr14:50,912,195, G>A on the plus strand (C>T on the coding strand, the complement: PYGL is on the minus strand). VCF-style: chr14-50912195-G-A. GRCh37 (hg19) VCF-style: chr14-51378913-G-A.
Other names: p.Gln577*; c.1627C>T, p.Gln543Ter (NM_001163940.2); short protein forms Q577*, Q543*.
Identifiers: ClinVar variation 632216 (VCV000632216.24), dbSNP rs149096315, ClinGen allele CA7183370.

ClinVar aggregate classification (germline): Pathogenic/Likely pathogenic. Review status: criteria provided, multiple submitters, no conflicts (2 of 4 stars). 4 submissions from 4 submitters: Pathogenic (3); Likely pathogenic (1). Last evaluated 2026-07-22.

Conditions:
Glycogen storage disease, type VI (GSD6). Also called: Glycogen storage disease type 6; Hepatic glycogen phosphorylase deficiency; HERS DISEASE; PHOSPHORYLASE DEFICIENCY GLYCOGEN-STORAGE DISEASE OF LIVER; Glycogen storage disease type 6, due to phosphorylation; GSD VI. Identifiers: Orphanet 369, MedGen C0017925, MONDO:0009294, OMIM 232700.
Glycogen storage disease. Also called: glycogen storage disorder; Disorder of glycogen metabolism. Identifiers: Orphanet 79201, MedGen C0017919, MONDO:0002412.

Allele frequency attached by ClinVar (database versions not stated): ExAC 0.00004; gnomAD exomes 0.00006 and 0.00015; ESP Exome Variant Server 0.00008; TOPMed 0.00009; gnomAD 0.00010.
gnomAD v4.1: 235 of 1,614,082 alleles (0.015%); highest among the groups gnomAD compares: Non-Finnish European, 0.018%; no homozygotes.

Submissions (4):

GeneDx
Classification: Pathogenic. Last evaluated: 2026-07-22. Review status: criteria provided, single submitter. Criteria: GeneDx Variant Classification Process June 2021. Collection method: clinical testing. Allele origin: germline.
Comment: Nonsense variant predicted to result in protein truncation or nonsense mediated decay in a gene for which loss of function is a known mechanism of disease; This variant is associated with the following publications: (PMID: 25266922)

NHS Central & South Genomic Laboratory Hub
Classification: Pathogenic for Glycogen storage disease. Last evaluated: 2026-04-22. Review status: criteria provided, single submitter. Criteria: ACMG Guidelines, 2015. Collection method: clinical testing. Allele origin: germline. Affected: yes.

Mayo Clinic Laboratories, Mayo Clinic
Classification: Likely pathogenic. Last evaluated: 2025-12-10. Review status: criteria provided, single submitter. Criteria: ACMG Guidelines, 2015. Collection method: clinical testing. Allele origin: germline. Observed: 1 variant allele.
Comment: PP1, PM2_supporting, PVS1

Labcorp Genetics (formerly Invitae), Labcorp
Classification: Pathogenic for Glycogen storage disease, type VI. Last evaluated: 2023-11-10. Review status: criteria provided, single submitter. Criteria: Invitae Variant Classification Sherloc (09022015). Collection method: clinical testing. Allele origin: germline.
Comment: This sequence change creates a premature translational stop signal (p.Gln577*) in the PYGL gene. It is expected to result in an absent or disrupted protein product. Loss-of-function variants in PYGL are known to be pathogenic (PMID: 9536091, 21646031). This variant is present in population databases (rs149096315, gnomAD 0.01%). This premature translational stop signal has been observed in individual(s) with glycogen storage disease type VI (PMID: 25266922). ClinVar contains an entry for this variant (Variation ID: 632216). Algorithms developed to predict the effect of sequence changes on RNA splicing suggest that this variant may disrupt the consensus splice site. For these reasons, this variant has been classified as Pathogenic.

Literature cited by the submitters: PubMed 25266922 (cited by Mayo Clinic Laboratories, Mayo Clinic and Labcorp Genetics (formerly Invitae), Labcorp); PubMed 32961316 (cited by Mayo Clinic Laboratories, Mayo Clinic); PubMed 9536091 (cited by Labcorp Genetics (formerly Invitae), Labcorp); PubMed 21646031 (cited by Labcorp Genetics (formerly Invitae), Labcorp).